The following is an entry in ClinVar:

ClinVar aggregate classification (germline): Likely benign (1 of 4 stars; one submission).

Allele frequency attached by ClinVar (database versions not stated): ExAC 0.00001; gnomAD 0.00001; gnomAD exomes 0.00001; TOPMed 0.00001.
gnomAD v4.1: 9 of 1,208,454 alleles (0.00074%); highest among the groups gnomAD compares: Non-Finnish European, 0.00089%; no homozygotes.

Submission:

CeGaT Center for Human Genetics Tuebingen
Classification: Likely benign. Last evaluated: 2023-03-01. Review status: criteria provided, single submitter. Criteria: CeGaT Center For Human Genetics Tuebingen Variant Classification Criteria Version 2. Collection method: clinical testing. Allele origin: germline. Affected: yes. Observed: 1 variant allele.
Comment: MAGEB2: BP4, BP7

NM_002364.5(MAGEB2):c.603A>G (p.Arg201=)

Gene: MAGEB2 (MAGE family member B2; plus strand). Cytogenetic location: Xp21.2.
Variant type: single nucleotide variant.
Coding change: c.603A>G on transcript NM_002364.5 (MANE Select); coding-DNA position 603, A replaced by G.
Protein change: p.Arg201=; no amino-acid change (arginine 201 retained).
Molecular consequence: synonymous variant.
Genome position (GRCh38, 1-based): chrX:30,219,183, A>G. VCF-style: chrX-30219183-A-G. GRCh37 (hg19) VCF-style: chrX-30237300-A-G.
Identifiers: ClinVar variation 2660224 (VCV002660224.24), dbSNP rs771735549, ClinGen allele CA10375761.
Genomic context (GRCh38, chrX:30,219,183, plus strand): 5'-CGACAAGGTAGACCTCACTGATGAGGAATCCCTGCTCAGTTCCTGGGACTTTCCCAGGAG[A>G]AAGCTTCTGATGCCTCTCCTGGGTGTGATCTTCTTAAATGGCAACTCAGCTACTGAGGAA-3'
Protein context (NP_002355.2, residues 191-211): SLLSSWDFPR[Arg201=]KLLMPLLGVI